The following is an entry in ClinVar:

NM_000179.3(MSH6):c.1287G>A (p.Val429=)

Gene: MSH6 (mutS homolog 6; plus strand). Cytogenetic location: 2p16.3.
Variant type: single nucleotide variant.
Coding change: c.1287G>A on transcript NM_000179.3 (MANE Select); coding-DNA position 1287, G replaced by A.
Protein change: p.Val429=; no amino-acid change (valine 429 retained).
Molecular consequence: synonymous variant.
Genome position (GRCh38, 1-based): chr2:47,799,270, G>A. VCF-style: chr2-47799270-G-A. GRCh37 (hg19) VCF-style: chr2-48026409-G-A.
Other names: p.Val429=; c.897G>A, p.Val299= (NM_001281492.2); c.381G>A, p.Val127= (NM_001281493.2, NM_001281494.2).
Identifiers: ClinVar variation 818806 (VCV000818806.21), dbSNP rs576548582, ClinGen allele CA46707880.
Genomic context (GRCh38, chr2:47,799,270, plus strand): 5'-GATGAGGAAGTGGTGGCAGATTAAGTCTCAGAACTTTGATCTTGTCATCTGTTACAAGGT[G>A]GGGAAATTTTATGAGCTGTACCACATGGATGCTCTTATTGGAGTCAGTGAACTGGGGCTG-3'
Protein context (NP_000170.1, residues 419-439): QNFDLVICYK[Val429=]GKFYELYHMD

ClinVar aggregate classification (germline): Benign/Likely benign. Review status: criteria provided, multiple submitters, no conflicts (2 of 4 stars). 8 submissions from 8 submitters: Benign (1); Likely benign (7). Last evaluated 2025-11-05.

Conditions:
Hereditary cancer-predisposing syndrome. Also called: Neoplastic Syndromes, Hereditary; Tumor predisposition; Hereditary Cancer Syndrome; Hereditary neoplastic syndrome. Identifiers: Orphanet 140162, MedGen C0027672, MeSH D009386, MONDO:0015356.
Hereditary nonpolyposis colorectal neoplasms. Identifiers: MedGen C0009405, MeSH D003123.
Lynch syndrome. Identifiers: Orphanet 144, MedGen C4552100, MONDO:0005835. Disease mechanism: loss of function.
Lynch syndrome 5 (LYNCH5). Also called: Colorectal cancer, hereditary nonpolyposis, type 5; Hereditary non-polyposis colorectal cancer, type 5. Identifiers: Orphanet 144, MedGen C1833477, MONDO:0013710, OMIM 614350. Disease mechanism: loss of function.

Allele frequency attached by ClinVar (database versions not stated): gnomAD exomes below 0.00001; gnomAD 0.00001; 1000 Genomes Project 30x 0.00016; 1000 Genomes Project 0.00020.

Submissions (8):

Labcorp Genetics (formerly Invitae), Labcorp
Classification: Likely benign for Hereditary nonpolyposis colorectal neoplasms. Last evaluated: 2025-11-05. Review status: criteria provided, single submitter. Criteria: Invitae Variant Classification Sherloc (09022015). Collection method: clinical testing. Allele origin: germline.

Mayo Clinic Laboratories, Mayo Clinic
Classification: Likely benign. Last evaluated: 2025-04-29. Review status: criteria provided, single submitter. Criteria: ACMG Guidelines, 2015. Collection method: clinical testing. Allele origin: germline. Observed: 1 variant allele.
Comment: BP4, BP7

Myriad Genetics, Inc.
Classification: Benign for Lynch syndrome 5. Last evaluated: 2024-12-26. Review status: criteria provided, single submitter. Criteria: Myriad Autosomal Dominant, Autosomal Recessive and X-Linked Classification Criteria (2023). Collection method: clinical testing. Allele origin: unknown.
Comment: This variant is considered benign. This variant is a silent/synonymous amino acid change and it is not expected to impact splicing.

Blueprint Genetics
Classification: Likely benign. Last evaluated: 2024-01-11. Review status: criteria provided, single submitter. Criteria: ACMG Guidelines, 2015. Collection method: clinical testing. Allele origin: germline.

All of Us Research Program, National Institutes of Health
Classification: Likely benign for Lynch syndrome. Last evaluated: 2023-09-04. Review status: criteria provided, single submitter. Criteria: ACMG Guidelines, 2015. Collection method: clinical testing. Allele origin: germline. Inheritance: Autosomal dominant inheritance. Observed: 3 variant alleles, 3 heterozygotes.
Comment: This study involves interpretation of variants in research participants for the purpose of population health screening. Participant phenotype was not available at the time of variant classification. Additional details can be found in publication PMID: 35346344, PMCID: PMC8962531

Ambry Genetics
Classification: Likely benign for Hereditary cancer-predisposing syndrome. Last evaluated: 2023-01-25. Review status: criteria provided, single submitter. Criteria: Ambry Variant Classification Scheme 2023. Collection method: clinical testing. Allele origin: germline.

Women's Health and Genetics/Laboratory Corporation of America, LabCorp
Classification: Likely benign. Last evaluated: 2022-09-19. Review status: criteria provided, single submitter. Criteria: LabCorp Variant Classification Summary - May 2015. Collection method: clinical testing. Allele origin: germline.

Color Diagnostics, LLC DBA Color Health
Classification: Likely benign for Hereditary cancer-predisposing syndrome. Last evaluated: 2021-05-04. Review status: criteria provided, single submitter. Criteria: ACMG Guidelines, 2015. Collection method: clinical testing. Allele origin: germline.